The following is an entry in ClinVar:

ClinVar aggregate classification (germline): Uncertain significance. Review status: criteria provided, multiple submitters, no conflicts (2 of 4 stars). 5 submissions from 5 submitters: Uncertain significance (5). Last evaluated 2025-10-29.

Conditions:
OTOG-related disorder. Also called: OTOG-related condition.
Autosomal recessive nonsyndromic hearing loss 18B. Also called: Deafness, autosomal recessive 18b. Identifiers: Orphanet 90636, MedGen C3554163, MONDO:0013985, OMIM 614945.

Allele frequency attached by ClinVar (database versions not stated): ExAC below 0.00001; gnomAD exomes 0.00003 and 0.00005; 1000 Genomes Project 30x 0.00016; 1000 Genomes Project 0.00020; TOPMed 0.00024; gnomAD 0.00031 and 0.00032.
gnomAD v4.1: 129 of 1,550,352 alleles (0.0083%); highest among the groups gnomAD compares: Middle Eastern, 0.17%; 1 homozygote.

Submissions (5):

PreventionGenetics, part of Exact Sciences
Classification: Uncertain significance for OTOG-related condition. Last evaluated: 2025-10-29. Review status: criteria provided, single submitter. Criteria: ACMG Guidelines, 2015. Collection method: clinical testing. Allele origin: germline.
Comment: The OTOG c.5516C>T variant is predicted to result in the amino acid substitution p.Ser1839Phe. To our knowledge, this variant has not been reported in the literature. This variant is reported in 0.084% of alleles in individuals of African descent in gnomAD. Although we suspect that this variant may be benign, at this time, the clinical significance of this variant is uncertain due to the absence of conclusive functional and genetic evidence.

Blueprint Genetics
Classification: Uncertain significance. Last evaluated: 2024-09-23. Review status: criteria provided, single submitter. Criteria: ACMG Guidelines, 2015. Collection method: clinical testing. Allele origin: germline.

Labcorp Genetics (formerly Invitae), Labcorp
Classification: Uncertain significance. Last evaluated: 2022-03-10. Review status: criteria provided, single submitter. Criteria: Invitae Variant Classification Sherloc (09022015). Collection method: clinical testing. Allele origin: germline.
Comment: In summary, the available evidence is currently insufficient to determine the role of this variant in disease. Therefore, it has been classified as a Variant of Uncertain Significance. Algorithms developed to predict the effect of missense changes on protein structure and function (SIFT, PolyPhen-2, Align-GVGD) all suggest that this variant is likely to be tolerated. ClinVar contains an entry for this variant (Variation ID: 1031279). This variant has not been reported in the literature in individuals affected with OTOG-related conditions. This variant is present in population databases (rs557079751, gnomAD 0.09%). This sequence change replaces serine, which is neutral and polar, with phenylalanine, which is neutral and non-polar, at codon 1839 of the OTOG protein (p.Ser1839Phe).

Baylor Genetics
Classification: Uncertain significance for Autosomal recessive nonsyndromic hearing loss 18B. Last evaluated: 2020-06-03. Review status: criteria provided, single submitter. Criteria: ACMG Guidelines, 2015. Collection method: clinical testing. Allele origin: unknown. Affected: yes.
Comment: This variant was determined to be of uncertain significance according to ACMG Guidelines, 2015 [PMID:25741868].

Breakthrough Genomics
Classification: Uncertain significance. Review status: criteria provided, single submitter. Criteria: ACMG Guidelines, 2015. Collection method: not provided. Allele origin: germline. Inheritance: Autosomal recessive inheritance. Affected: yes.

NM_001292063.2(OTOG):c.5480C>T (p.Ser1827Phe)

Gene: OTOG (otogelin; plus strand). Cytogenetic location: 11p15.1.
Variant type: single nucleotide variant.
Coding change: c.5480C>T on transcript NM_001292063.2 (MANE Select); coding-DNA position 5480, C replaced by T.
Protein change: p.Ser1827Phe; replaces serine 1827 with phenylalanine.
Molecular consequence: missense variant.
Genome position (GRCh38, 1-based): chr11:17,610,780, C>T. VCF-style: chr11-17610780-C-T. GRCh37 (hg19) VCF-style: chr11-17632327-C-T.
Other names: c.5516C>T, p.Ser1839Phe (NM_001277269.2); short protein forms S1839F, S1827F.
Identifiers: ClinVar variation 1031279 (VCV001031279.10), dbSNP rs557079751, ClinGen allele CA5905928.
Genomic context (GRCh38, chr11:17,610,780, plus strand): 5'-GCCTGCCCCTGGCCAAGGTGGGCACATCTGCCCCAGTGGCCACACCCGGCCCCAAAGCCT[C>T]TGTCATCACCACTCCACTCCAGCCACAGGCCACGACTCTGCCTGCTCAGACACTTAGCCC-3'
Protein context (NP_001278992.1, residues 1817-1837): APVATPGPKA[Ser1827Phe]VITTPLQPQA